The following is an entry in ClinVar:

ClinVar aggregate classification (germline): Benign/Likely benign. Review status: criteria provided, multiple submitters, no conflicts (2 of 4 stars). 3 submissions from 3 submitters: Benign (2); Likely benign (1). Last evaluated 2026-08-01.

Allele frequency attached by ClinVar (database versions not stated): 1000 Genomes Project 0.00439; TOPMed 0.00498; gnomAD exomes 0.00043 and 0.00113; ExAC 0.00123; ESP Exome Variant Server 0.00383; 1000 Genomes Project 30x 0.00437.
gnomAD v4.1: 1,323 of 1,614,142 alleles (0.082%); highest among the groups gnomAD compares: African/African-American, 1.4%; 10 homozygotes.

Submissions (3):

CeGaT Center for Human Genetics Tuebingen
Classification: Likely benign. Last evaluated: 2026-08-01. Review status: criteria provided, single submitter. Criteria: CeGaT Center For Human Genetics Tuebingen Variant Classification Criteria Version 2. Collection method: clinical testing. Allele origin: germline. Affected: yes. Observed: 1 variant allele.
Comment: FRYL: BP4, BP7, BS1

Labcorp Genetics (formerly Invitae), Labcorp
Classification: Benign. Last evaluated: 2019-12-31. Review status: criteria provided, single submitter. Criteria: Invitae Variant Classification Sherloc (09022015). Collection method: clinical testing. Allele origin: germline.

Breakthrough Genomics
Classification: Benign. Review status: criteria provided, single submitter. Criteria: ACMG Guidelines, 2015. Collection method: not provided. Allele origin: germline. Inheritance: Unknown mechanism. Affected: yes.

NM_015030.2(FRYL):c.3537G>A (p.Thr1179=)

Gene: FRYL (FRY like transcription coactivator; minus strand). Cytogenetic location: 4p11.
Variant type: single nucleotide variant.
Coding change: c.3537G>A on transcript NM_015030.2 (MANE Select); coding-DNA position 3537, G replaced by A.
Protein change: p.Thr1179=; no amino-acid change (threonine 1179 retained).
Molecular consequence: synonymous variant.
Genome position (GRCh38, 1-based): chr4:48,564,007, C>T on the plus strand (G>A on the coding strand, the complement: FRYL is on the minus strand). VCF-style: chr4-48564007-C-T. GRCh37 (hg19) VCF-style: chr4-48566024-C-T.
Identifiers: ClinVar variation 787802 (VCV000787802.6), dbSNP rs137912004, ClinGen allele CA2915011.